The following is an entry in ClinVar:

NM_005591.4(MRE11):c.221C>G (p.Thr74Ser)

Gene: MRE11 (MRE11 double strand break repair nuclease; minus strand). Cytogenetic location: 11q21.
Variant type: single nucleotide variant.
Coding change: c.221C>G on transcript NM_005591.4 (MANE Select); coding-DNA position 221, C replaced by G.
Protein change: p.Thr74Ser; replaces threonine 74 with serine.
Molecular consequence: missense variant.
Genome position (GRCh38, 1-based): chr11:94,486,017, G>C on the plus strand (C>G on the coding strand, the complement: MRE11 is on the minus strand). VCF-style: chr11-94486017-G-C. GRCh37 (hg19) VCF-style: chr11-94219183-G-C.
Other names: c.221C>G, p.Thr74Ser (NM_001330347.2, NM_005590.4); short protein forms T74S.
Identifiers: ClinVar variation 483654 (VCV000483654.5), dbSNP rs201054129, ClinGen allele CA382379634.
Genomic context (GRCh38, chr11:94,486,017, plus strand): 5'-AGAATTTCAAACTGGACAGGCCGATCACCCATACAATATTTTCTTAATAACTCGAGGCAG[G>C]TATGTAATGTTTTCCTTGAGGGCTTATTTTCATGAAAAAGATCACCACCTAACAAAATAA-3'
Protein context (NP_005582.1, residues 64-84): ENKPSRKTLH[Thr74Ser]CLELLRKYCM

ClinVar aggregate classification (germline): Uncertain significance (1 of 4 stars; one submission).

Conditions:
Hereditary cancer-predisposing syndrome. Also called: Neoplastic Syndromes, Hereditary; Tumor predisposition; Hereditary Cancer Syndrome; Hereditary neoplastic syndrome. Identifiers: Orphanet 140162, MedGen C0027672, MeSH D009386, MONDO:0015356.

Submission:

Ambry Genetics
Classification: Uncertain significance for Hereditary cancer-predisposing syndrome. Last evaluated: 2017-07-18. Review status: criteria provided, single submitter. Criteria: Ambry Variant Classification Scheme 2023. Collection method: clinical testing. Allele origin: germline.
Comment: The p.T74S variant (also known as c.221C>G), located in coding exon 3 of the MRE11A gene, results from a C to G substitution at nucleotide position 221. The threonine at codon 74 is replaced by serine, an amino acid with similar properties. This amino acid position is not well conserved in available vertebrate species. In addition, this alteration is predicted to be tolerated by in silico analysis. Since supporting evidence is limited at this time, the clinical significance of this alteration remains unclear.